The following is an entry in ClinVar:

NM_007194.4(CHEK2):c.595T>G (p.Phe199Val)

Gene: CHEK2 (checkpoint kinase 2; minus strand). Cytogenetic location: 22q12.1.
Variant type: single nucleotide variant.
Coding change: c.595T>G on transcript NM_007194.4 (MANE Select); coding-DNA position 595, T replaced by G.
Protein change: p.Phe199Val; replaces phenylalanine 199 with valine.
Molecular consequence: missense variant. On other transcripts: 5 prime UTR variant (2), intron variant (1).
Genome position (GRCh38, 1-based): chr22:28,719,483, A>C on the plus strand (T>G on the coding strand, the complement: CHEK2 is on the minus strand). VCF-style: chr22-28719483-A-C. GRCh37 (hg19) VCF-style: chr22-29115471-A-C.
Other names: c.724T>G, p.Phe242Val (NM_001005735.3, NM_001438294.1); c.-69T>G (NM_001257387.3, NM_001437942.1); c.688T>G, p.Phe230Val (NM_001438293.1, NM_001438295.1); c.595T>G, p.Phe199Val (NM_145862.3); c.482+5403T>G (NM_001349956.3); short protein forms F199V, F242V, F230V.
Identifiers: ClinVar variation 1489022 (VCV001489022.9), dbSNP rs2146007516, ClinGen allele CA411105155.

ClinVar aggregate classification (germline): Uncertain significance (1 of 4 stars; one submission).

Conditions:
Familial cancer of breast. Also called: Hereditary breast cancer; BREAST CANCER, FAMILIAL; hereditary breast carcinoma. Identifiers: Orphanet 227535, MedGen C0346153, MONDO:0016419, OMIM 114480. Disease mechanism: loss of function.

Submission:

Labcorp Genetics (formerly Invitae), Labcorp
Classification: Uncertain significance for Familial cancer of breast. Last evaluated: 2021-05-05. Review status: criteria provided, single submitter. Criteria: Invitae Variant Classification Sherloc (09022015). Collection method: clinical testing. Allele origin: germline.
Comment: This sequence change replaces phenylalanine with valine at codon 199 of the CHEK2 protein (p.Phe199Val). The phenylalanine residue is highly conserved and there is a small physicochemical difference between phenylalanine and valine. In summary, the available evidence is currently insufficient to determine the role of this variant in disease. Therefore, it has been classified as a Variant of Uncertain Significance. Algorithms developed to predict the effect of missense changes on protein structure and function are either unavailable or do not agree on the potential impact of this missense change (SIFT: "Deleterious"; PolyPhen-2: "Probably Damaging"; Align-GVGD: "Class C0"). This variant has not been reported in the literature in individuals with CHEK2-related conditions. This variant is not present in population databases (ExAC no frequency).